The following is an entry in ClinVar:

NM_000038.6(APC):c.46C>T (p.Leu16=)

Gene: APC (APC regulator of Wnt signaling pathway; plus strand). Cytogenetic location: 5q22.2.
Variant type: single nucleotide variant.
Coding change: c.46C>T on transcript NM_000038.6 (MANE Select); coding-DNA position 46, C replaced by T.
Protein change: p.Leu16=; no amino-acid change (leucine 16 retained).
Molecular consequence: synonymous variant. On other transcripts: 5 prime UTR variant (1), intron variant (8).
Genome position (GRCh38, 1-based): chr5:112,754,936, C>T. VCF-style: chr5-112754936-C-T. GRCh37 (hg19) VCF-style: chr5-112090633-C-T.
Other names: c.46C>T, p.Leu16= (NM_001127510.3, NM_001354895.2, NM_001354896.2 and 2 more transcripts); c.-990C>T (NM_001354906.2); c.166-11390C>T (NM_001354897.2, NM_001354902.2, NM_001127511.3); c.61-11390C>T (NM_001354898.2, NM_001354904.2); c.-42-11390C>T (NM_001354900.2, NM_001354901.2, NM_001354905.2).
Identifiers: ClinVar variation 379467 (VCV000379467.17), dbSNP rs1057520603, ClinGen allele CA16604756.

ClinVar aggregate classification (germline): Benign/Likely benign. Review status: criteria provided, multiple submitters, no conflicts (2 of 4 stars). 5 submissions from 5 submitters: Benign (1); Likely benign (4). Last evaluated 2025-10-04.

Conditions:
Hereditary cancer-predisposing syndrome. Also called: Tumor predisposition; Hereditary neoplastic syndrome; Neoplastic Syndromes, Hereditary; Hereditary Cancer Syndrome. Identifiers: Orphanet 140162, MedGen C0027672, MeSH D009386, MONDO:0015356.
Familial adenomatous polyposis 1 (FAP1). Also called: FAMILIAL ADENOMATOUS POLYPOSIS 1, ATTENUATED; POLYPOSIS, ADENOMATOUS INTESTINAL. Identifiers: MedGen C2713442, MONDO:0021056, OMIM 175100. Disease mechanism: loss of function.

Allele frequency attached by ClinVar (database versions not stated): gnomAD exomes below 0.00001.
gnomAD v4.1: 1 of 1,613,820 alleles (0.000062%); highest among the groups gnomAD compares: Admixed American, 0.0017%; no homozygotes.

Submissions (5):

Labcorp Genetics (formerly Invitae), Labcorp
Classification: Likely benign for Familial adenomatous polyposis 1. Last evaluated: 2025-10-04. Review status: criteria provided, single submitter. Criteria: Invitae Variant Classification Sherloc (09022015). Collection method: clinical testing. Allele origin: germline.

Myriad Genetics, Inc.
Classification: Benign for Familial adenomatous polyposis 1. Last evaluated: 2024-02-22. Review status: criteria provided, single submitter. Criteria: Myriad Autosomal Dominant, Autosomal Recessive and X-Linked Classification Criteria (2023). Collection method: clinical testing. Allele origin: unknown.
Comment: This variant is considered benign. This variant is a silent/synonymous amino acid change and it is not expected to impact splicing.

Ambry Genetics
Classification: Likely benign for Hereditary cancer-predisposing syndrome. Last evaluated: 2018-12-14. Review status: criteria provided, single submitter. Criteria: Ambry Variant Classification Scheme 2023. Collection method: clinical testing. Allele origin: germline.

Color Diagnostics, LLC DBA Color Health
Classification: Likely benign for Hereditary cancer-predisposing syndrome. Last evaluated: 2018-03-16. Review status: criteria provided, single submitter. Criteria: ACMG Guidelines, 2015. Collection method: clinical testing. Allele origin: germline.

GeneDx
Classification: Likely benign. Last evaluated: 2016-11-30. Review status: criteria provided, single submitter. Criteria: GeneDx Variant Classification (06012015). Collection method: clinical testing. Allele origin: germline. Affected: yes.
Comment: This variant is considered likely benign or benign based on one or more of the following criteria: it is a conservative change, it occurs at a poorly conserved position in the protein, it is predicted to be benign by multiple in silico algorithms, and/or has population frequency not consistent with disease.